The following is an entry in ClinVar:

ClinVar aggregate classification (germline): Uncertain significance (1 of 4 stars; one submission).

Conditions:
Primary dilated cardiomyopathy (DCM). Also called: Dilated Cardiomyopathy. Identifiers: Orphanet 217604, MedGen C0007193, MeSH D002311, MONDO:0005021, HP:0001644. Inheritance: Various modes of inheritance.

gnomAD v4.1: 1 of 1,613,044 alleles (0.000062%); highest among the groups gnomAD compares: Middle Eastern, 0.017%; no homozygotes.

Submission:

Labcorp Genetics (formerly Invitae), Labcorp
Classification: Uncertain significance for Primary dilated cardiomyopathy. Last evaluated: 2024-11-26. Review status: criteria provided, single submitter. Criteria: Invitae Variant Classification Sherloc (09022015). Collection method: clinical testing. Allele origin: germline.
Comment: This sequence change replaces methionine, which is neutral and non-polar, with isoleucine, which is neutral and non-polar, at codon 735 of the NEBL protein (p.Met735Ile). This variant is not present in population databases (gnomAD no frequency). This variant has not been reported in the literature in individuals affected with NEBL-related conditions. An algorithm developed to predict the effect of missense changes on protein structure and function (PolyPhen-2) suggests that this variant is likely to be tolerated. In summary, the available evidence is currently insufficient to determine the role of this variant in disease. Therefore, it has been classified as a Variant of Uncertain Significance.

NM_006393.3(NEBL):c.2205G>A (p.Met735Ile)

Gene: NEBL (nebulette; minus strand). Cytogenetic location: 10p12.31.
Variant type: single nucleotide variant.
Coding change: c.2205G>A on transcript NM_006393.3 (MANE Select); coding-DNA position 2205, G replaced by A.
Protein change: p.Met735Ile; replaces methionine 735 with isoleucine.
Molecular consequence: missense variant. On other transcripts: intron variant (9).
Genome position (GRCh38, 1-based): chr10:20,815,661, C>T on the plus strand (G>A on the coding strand, the complement: NEBL is on the minus strand). VCF-style: chr10-20815661-C-T. GRCh37 (hg19) VCF-style: chr10-21104590-C-T.
Other names: c.250-2721G>A (NM_001377326.1, NM_001377327.1, NM_001377328.1); c.358-2721G>A (NM_213569.2, NM_001173484.2, NM_001377322.1); c.301-2721G>A (NM_001377324.1); c.292-2721G>A (NM_001377325.1); c.310-2721G>A (NM_001377323.1); short protein forms M735I.
Identifiers: ClinVar variation 3703135 (VCV003703135.2).